The following is an entry in ClinVar:

ClinVar aggregate classification (germline): Likely pathogenic (1 of 4 stars; one submission).

Conditions:
Insulin-dependent diabetes mellitus secretory diarrhea syndrome (IPEX). Also called: DIABETES MELLITUS, CONGENITAL INSULIN-DEPENDENT, WITH FATAL SECRETORY DIARRHEA; DIARRHEA, POLYENDOCRINOPATHY, FATAL INFECTION SYNDROME, X-LINKED; ENTEROPATHY, AUTOIMMUNE, WITH HEMOLYTIC ANEMIA AND POLYENDOCRINOPATHY; IPEX and IPEX-Like; Immunodeficiency, Polyendocrinopathy, and Enteropathy X-Linked Syndrome; X-Linked Syndrome of Polyendocrinopathy, Immune Dysfunction, and Diarrhea. Identifiers: Orphanet 37042, MedGen C0342288, MONDO:0010580, OMIM 304790. Disease mechanism: loss of function.

Submission:

Labcorp Genetics (formerly Invitae), Labcorp
Classification: Likely pathogenic for Insulin-dependent diabetes mellitus secretory diarrhea syndrome. Last evaluated: 2021-11-13. Review status: criteria provided, single submitter. Criteria: Invitae Variant Classification Sherloc (09022015). Collection method: clinical testing. Allele origin: germline.
Comment: In summary, the currently available evidence indicates that the variant is pathogenic, but additional data are needed to prove that conclusively. Therefore, this variant has been classified as Likely Pathogenic. Algorithms developed to predict the effect of sequence changes on RNA splicing suggest that this variant may disrupt the consensus splice site. This variant has not been reported in the literature in individuals affected with FOXP3-related conditions. This variant is not present in population databases (gnomAD no frequency). This sequence change affects a donor splice site in intron 3 of the FOXP3 gene. It is expected to disrupt RNA splicing. Variants that disrupt the donor or acceptor splice site typically lead to a loss of protein function (PMID: 16199547), and loss-of-function variants in FOXP3 are known to be pathogenic (PMID: 11137992, 11137993).

Literature cited by the submitters: PubMed 16199547; PubMed 11137992; PubMed 11137993.

NM_014009.4(FOXP3):c.315+2T>A

Gene: FOXP3 (forkhead box P3; minus strand). Cytogenetic location: Xp11.23.
Variant type: single nucleotide variant.
Coding change: c.315+2T>A on transcript NM_014009.4 (MANE Select); the canonical splice donor site of the intron after coding-DNA position 315, T replaced by A.
Molecular consequence: splice donor variant. On other transcripts: intron variant (1).
Genome position (GRCh38, 1-based): chrX:49,257,662, A>T on the plus strand (T>A on the coding strand, the complement: FOXP3 is on the minus strand). VCF-style: chrX-49257662-A-T. GRCh37 (hg19) VCF-style: chrX-49114119-A-T.
Other names: c.211-97T>A (NM_001114377.2).
Identifiers: ClinVar variation 1514541 (VCV001514541.6), dbSNP rs2147949090, ClinGen allele CA412953288.